The following is an entry in ClinVar:

NM_003059.3(SLC22A4):c.742C>A (p.Leu248Met)

Genes: MIR3936HG (MIR3936 host gene; minus strand), SLC22A4 (solute carrier family 22 member 4; plus strand). Cytogenetic location: 5q31.1.
Variant type: single nucleotide variant.
Coding change: c.742C>A on transcript NM_003059.3 (MANE Select); coding-DNA position 742, C replaced by A.
Protein change: p.Leu248Met; replaces leucine 248 with methionine.
Molecular consequence: missense variant.
Genome position (GRCh38, 1-based): chr5:132,322,273, C>A. VCF-style: chr5-132322273-C-A. GRCh37 (hg19) VCF-style: chr5-131657966-C-A.
Other names: short protein forms L248M.
Identifiers: ClinVar variation 4987022 (VCV004987022.1).
Genomic context (GRCh38, chr5:132,322,273, plus strand): 5'-ATTATATTCTCTACATTAGGAGTGTGCACATTTTTTGCAGTTGGCTATATGCTGCTGCCA[C>A]TGTTTGCTTACTTCATCAGAGACTGGCGGATGCTGCTGCTGGCGCTGACGGTGCCGGGAG-3'
Protein context (NP_003050.2, residues 238-258): FFAVGYMLLP[Leu248Met]FAYFIRDWRM

ClinVar aggregate classification (germline): Uncertain significance (1 of 4 stars; one submission).

Conditions:
SLC22A4-related disorder. Also called: SLC22A4-related condition.

Submission:

PreventionGenetics, part of Exact Sciences
Classification: Uncertain significance for SLC22A4-related condition. Last evaluated: 2025-10-07. Review status: criteria provided, single submitter. Criteria: ACMG Guidelines, 2015. Collection method: clinical testing. Allele origin: germline.
Comment: The SLC22A4 c.742C>A variant is predicted to result in the amino acid substitution p.Leu248Met. To our knowledge, this variant has not been reported in the literature. This variant is reported in 0.0054% of alleles in individuals of European (Non-Finnish) descent in gnomAD. At this time, the clinical significance of this variant is uncertain due to the absence of conclusive functional and genetic evidence.